The following is an entry in ClinVar:

NM_002203.4(ITGA2):c.2674A>C (p.Thr892Pro)

Gene: ITGA2 (integrin subunit alpha 2; plus strand). Cytogenetic location: 5q11.2.
Variant type: single nucleotide variant.
Coding change: c.2674A>C on transcript NM_002203.4 (MANE Select); coding-DNA position 2674, A replaced by C.
Protein change: p.Thr892Pro; replaces threonine 892 with proline.
Molecular consequence: missense variant. On other transcripts: non-coding transcript variant (5).
Genome position (GRCh38, 1-based): chr5:53,075,070, A>C. VCF-style: chr5-53075070-A-C. GRCh37 (hg19) VCF-style: chr5-52370900-A-C.
Other names: short protein forms T892P.
Identifiers: ClinVar variation 353771 (VCV000353771.8), dbSNP rs116473481, ClinGen allele CA3263277.
Genomic context (GRCh38, chr5:53,075,070, plus strand): 5'-GCCTCTGAGTATGAAGCATCATAGACTGAGAAATTTTAATTTTGTCTTTAGGTGACTTTT[A>C]CTATTAACTTTGACTTCAATCTTCAAAACCTTCAGAATCAGGCGTCTCTCAGTTTCCAAG-3'
Protein context (NP_002194.2, residues 882-902): ALKREQQVTF[Thr892Pro]INFDFNLQNL

ClinVar aggregate classification (germline): Benign. Review status: criteria provided, multiple submitters, no conflicts (2 of 4 stars). 2 submissions from 2 submitters: Benign (2). Last evaluated 2018-12-13.

Conditions:
Platelet-type bleeding disorder 9 (BDPLT9). Also called: GLYCOPROTEIN Ia DEFICIENCY; GP Ia DEFICIENCY; COLLAGEN PLATELET RECEPTOR DEFICIENCY. Identifiers: Orphanet 73271, Orphanet 98886, MedGen C3280114, MONDO:0013622, OMIM 614200.

Allele frequency attached by ClinVar (database versions not stated): gnomAD exomes 0.00033 and 0.00084; ExAC 0.00120; gnomAD 0.00374 and 0.00402; 1000 Genomes Project 30x 0.00390; TOPMed 0.00408; 1000 Genomes Project 0.00419; ESP Exome Variant Server 0.00438.
gnomAD v4.1: 1,055 of 1,608,332 alleles (0.066%); highest among the groups gnomAD compares: African/African-American, 1.3%; 8 homozygotes.

Submissions (2):

Labcorp Genetics (formerly Invitae), Labcorp
Classification: Benign. Last evaluated: 2018-12-13. Review status: criteria provided, single submitter. Criteria: Invitae Variant Classification Sherloc (09022015). Collection method: clinical testing. Allele origin: germline.

Illumina Laboratory Services, Illumina
Classification: Benign for Platelet-type bleeding disorder 9. Last evaluated: 2018-01-13. Review status: criteria provided, single submitter. Criteria: ICSL Variant Classification Criteria 13 December 2019. Collection method: clinical testing. Allele origin: germline.
Comment: This variant was observed in the ICSL laboratory as part of a predisposition screen in an ostensibly healthy population. It had not been previously curated by ICSL or reported in the Human Gene Mutation Database (HGMD: prior to June 1st, 2018), and was therefore a candidate for classification through an automated scoring system. Utilizing variant allele frequency, disease prevalence and penetrance estimates, and inheritance mode, an automated score was calculated to assess if this variant is too frequent to cause the disease. Based on the score and internal cut-off values, a variant classified as benign is not then subjected to further curation. The score for this variant resulted in a classification of benign for this disease.